The following is an entry in ClinVar:

ClinVar aggregate classification (germline): Conflicting classifications of pathogenicity. Review status: criteria provided, conflicting classifications (1 of 4 stars). 6 submissions from 5 submitters: Uncertain significance (5); Likely benign (1). Last evaluated 2026-06-11.

Conditions:
Cardiovascular phenotype. Identifiers: MedGen CN230736.
Hypercholesterolemia, autosomal dominant, type B (FHCL2). Also called: APOLIPOPROTEIN B-100, FAMILIAL DEFECTIVE; APOLIPOPROTEIN B-100, FAMILIAL LIGAND-DEFECTIVE; Familial Hypercholesterolemia Type B; APOB-Related Familial Hypercholesterolemia, Autosomal Dominant; Hyperlipoproteinemia Type IIb; HYPERCHOLESTEROLEMIA, FAMILIAL, DUE TO LIGAND-DEFECTIVE APOLIPOPROTEIN B. Identifiers: MedGen C1704417, MONDO:0007751, OMIM 144010.
Familial hypobetalipoproteinemia 1. Also called: Hypobetalipoproteinemia, normotriglyceridemic; Acanthocytosis with hypobetalipoproteinemia; APOB-Related Familial Hypobetalipoproteinemia. Identifiers: MedGen C4551990, MONDO:0014252, OMIM 615558.
Familial hypercholesterolemia. Also called: Familial hypercholesterolaemia; Familial hypercholesterolemias. Identifiers: MedGen C0020445, MONDO:0005439.

Allele frequency attached by ClinVar (database versions not stated): ExAC 0.00001; TOPMed 0.00001; gnomAD exomes 0.00002.
gnomAD v4.1: 35 of 1,614,232 alleles (0.0022%); highest among the groups gnomAD compares: Non-Finnish European, 0.0029%; no homozygotes.

Submissions (6):

Cambridge Genomics Laboratory, East Genomic Laboratory Hub, NHS Genomic Medicine Service
Classification: Uncertain significance for Familial hypercholesterolaemia. Last evaluated: 2026-06-11. Review status: criteria provided, single submitter. Criteria: ACGS Best Practice Guidelines for Variant Classification in Rare Disease 2020. Collection method: clinical testing. Allele origin: germline. Affected: yes.
Comment: PM2_Supporting

Labcorp Genetics (formerly Invitae), Labcorp
Classification: Likely benign for Familial hypobetalipoproteinemia 1; Hypercholesterolemia, autosomal dominant, type B. Last evaluated: 2025-10-07. Review status: criteria provided, single submitter. Criteria: Invitae Variant Classification Sherloc (09022015). Collection method: clinical testing. Allele origin: germline.

Ambry Genetics
Classification: Uncertain significance for Cardiovascular phenotype. Last evaluated: 2023-07-13. Review status: criteria provided, single submitter. Criteria: Ambry Variant Classification Scheme 2023. Collection method: clinical testing. Allele origin: germline.
Comment: The p.S359G variant (also known as c.1075A>G), located in coding exon 9 of the APOB gene, results from an A to G substitution at nucleotide position 1075. The serine at codon 359 is replaced by glycine, an amino acid with similar properties. This amino acid position is poorly conserved in available vertebrate species. In addition, this alteration is predicted to be tolerated by in silico analysis. Since supporting evidence is limited at this time, the clinical significance of this alteration remains unclear.

New York Genome Center
Classification: Uncertain significance for Hypercholesterolemia, autosomal dominant, type B; Familial hypobetalipoproteinemia 1. Last evaluated: 2020-11-10. Review status: criteria provided, single submitter. Criteria: NYGC Assertion Criteria 2020. Collection method: clinical testing. Allele origin: germline. Observed: 1 heterozygote.

Illumina Laboratory Services, Illumina
Classification: Uncertain significance for Hypercholesterolemia, autosomal dominant, type B. Last evaluated: 2018-01-13. Review status: criteria provided, single submitter. Criteria: ICSL Variant Classification Criteria 13 December 2019. Collection method: clinical testing. Allele origin: germline.

Illumina Laboratory Services, Illumina
Classification: Uncertain significance for Familial hypobetalipoproteinemia 1. Last evaluated: 2018-01-13. Review status: criteria provided, single submitter. Criteria: ICSL Variant Classification Criteria 13 December 2019. Collection method: clinical testing. Allele origin: germline.

NM_000384.3(APOB):c.1075A>G (p.Ser359Gly)

Gene: APOB (apolipoprotein B; minus strand). Cytogenetic location: 2p24.1.
Variant type: single nucleotide variant.
Coding change: c.1075A>G on transcript NM_000384.3 (MANE Select); coding-DNA position 1075, A replaced by G.
Protein change: p.Ser359Gly; replaces serine 359 with glycine.
Molecular consequence: missense variant.
Genome position (GRCh38, 1-based): chr2:21,033,348, T>C on the plus strand (A>G on the coding strand, the complement: APOB is on the minus strand). VCF-style: chr2-21033348-T-C. GRCh37 (hg19) VCF-style: chr2-21256220-T-C.
Other names: short protein forms S359G.
Identifiers: ClinVar variation 334174 (VCV000334174.17), dbSNP rs757383498, ClinGen allele CA044692.